The following is an entry in ClinVar:

NM_000260.4(MYO7A):c.2170dup (p.Thr724fs)

Gene: MYO7A (myosin VIIA; plus strand). Cytogenetic location: 11q13.5.
Variant type: Duplication.
Coding change: c.2170dup on transcript NM_000260.4 (MANE Select); coding-DNA position 2170, one base duplicated (A; older notation c.2170dupA).
Protein change: p.Thr724fs; shifts the reading frame from threonine 724.
Molecular consequence: frameshift variant.
Genome position (GRCh38, 1-based): chr11:77,175,447, A duplicated; the last of 4 consecutive A bases (chr11:77,175,444-77,175,447); duplicating any one gives the same sequence. VCF-style (leftmost placement, unchanged base first): chr11-77175443-C-CA. GRCh37 (hg19) VCF-style: chr11-76886489-C-CA.
Other names: c.2170dup, p.Thr724fs (NM_001127180.2); c.2137dup, p.Thr713fs (NM_001369365.1); short protein forms T713fs, T724fs.
Identifiers: ClinVar variation 5013500 (VCV005013500.1).

ClinVar aggregate classification (germline): Pathogenic (1 of 4 stars; one submission).

Conditions:
Usher syndrome type 1 (USH1). Also called: RETINITIS PIGMENTOSA AND CONGENITAL DEAFNESS. Identifiers: Orphanet 231169, Orphanet 886, MedGen C1568247, MONDO:0010168, OMIM 276900.

Submission:

Myriad Genetics, Inc.
Classification: Pathogenic for Usher syndrome type 1. Last evaluated: 2024-08-28. Review status: criteria provided, single submitter. Criteria: Myriad Autosomal Dominant, Autosomal Recessive and X-Linked Classification Criteria (2023). Collection method: clinical testing. Allele origin: unknown.
Comment: NM_000260.3(MYO7A):c.2170dupA(T724Nfs*10) is expected to be pathogenic in the context of MYO7A-related disorders. This variant is predicted to lead to an abnormal or absent protein product due to the creation of a premature termination codon in MYO7A, a gene where loss-of-function variants are known to be pathogenic. Please note: this variant was assessed in the context of healthy population screening.